The following is an entry in ClinVar:

NM_004415.4(DSP):c.6676G>A (p.Gly2226Ser)

Gene: DSP (desmoplakin; plus strand). Cytogenetic location: 6p24.3.
Variant type: single nucleotide variant.
Coding change: c.6676G>A on transcript NM_004415.4 (MANE Select); coding-DNA position 6676, G replaced by A.
Protein change: p.Gly2226Ser; replaces glycine 2226 with serine.
Molecular consequence: missense variant.
Genome position (GRCh38, 1-based): chr6:7,583,938, G>A. VCF-style: chr6-7583938-G-A. GRCh37 (hg19) VCF-style: chr6-7584171-G-A.
Other names: c.4879G>A, p.Gly1627Ser (NM_001008844.3); c.5347G>A, p.Gly1783Ser (NM_001319034.2); short protein forms G1627S, G1783S, G2226S.
Identifiers: ClinVar variation 3224243 (VCV003224243.1), dbSNP rs2533942404, ClinGen allele CA362691304.

ClinVar aggregate classification (germline): Uncertain significance (1 of 4 stars; one submission).

Conditions:
Cardiovascular phenotype. Identifiers: MedGen CN230736.

Submission:

Ambry Genetics
Classification: Uncertain significance for Cardiovascular phenotype. Last evaluated: 2023-12-12. Review status: criteria provided, single submitter. Criteria: Ambry Variant Classification Scheme 2023. Collection method: clinical testing. Allele origin: germline.
Comment: The p.G2226S variant (also known as c.6676G>A), located in coding exon 24 of the DSP gene, results from a G to A substitution at nucleotide position 6676. The glycine at codon 2226 is replaced by serine, an amino acid with similar properties. This amino acid position is conserved. In addition, the in silico prediction for this alteration is inconclusive. Since supporting evidence is limited at this time, the clinical significance of this alteration remains unclear.